The following is an entry in ClinVar:

NM_001130438.3(SPTAN1):c.5282G>T (p.Arg1761Leu)

Gene: SPTAN1 (spectrin alpha, non-erythrocytic 1; plus strand). Cytogenetic location: 9q34.11.
Variant type: single nucleotide variant.
Coding change: c.5282G>T on transcript NM_001130438.3 (MANE Select); coding-DNA position 5282, G replaced by T.
Protein change: p.Arg1761Leu; replaces arginine 1761 with leucine.
Molecular consequence: missense variant.
Genome position (GRCh38, 1-based): chr9:128,615,765, G>T. VCF-style: chr9-128615765-G-T. GRCh37 (hg19) VCF-style: chr9-131378044-G-T.
Other names: c.5207G>T, p.Arg1736Leu (NM_001195532.2); c.5282G>T, p.Arg1761Leu (NM_001363759.2, NM_001375310.1, NM_001375311.2 and 1 more transcripts); c.5222G>T, p.Arg1741Leu (NM_001363765.2, NM_001375314.2); c.5318G>T, p.Arg1773Leu (NM_001375312.2, NM_001375318.1); c.5267G>T, p.Arg1756Leu (NM_003127.4); short protein forms R1756L, R1761L, R1773L, R1741L, R1736L.
Identifiers: ClinVar variation 1480680 (VCV001480680.9), dbSNP rs755046868, ClinGen allele CA375074788.
Genomic context (GRCh38, chr9:128,615,765, plus strand): 5'-AGGACAAGAGGGACACCATCAACGGGCGCTTCCAGAAGATCAAGAGCATGGCGGCCTCCC[G>T]GCGAGCCAAGCTGAATGAATCCCATCGCCTGCACCAGTTCTTCCGGGACATGGATGACGA-3'
Protein context (NP_001123910.1, residues 1751-1771): FQKIKSMAAS[Arg1761Leu]RAKLNESHRL

ClinVar aggregate classification (germline): Uncertain significance (1 of 4 stars; one submission).

Conditions:
Early-infantile DEE. Also called: Ohtahara syndrome; Early infantile epileptic encephalopathy with suppression bursts; Early infantile epileptic encephalopathy. Identifiers: Orphanet 1934, MedGen C0393706, MONDO:0800491.

Submission:

Labcorp Genetics (formerly Invitae), Labcorp
Classification: Uncertain significance for Early-infantile DEE. Last evaluated: 2024-02-24. Review status: criteria provided, single submitter. Criteria: Invitae Variant Classification Sherloc (09022015). Collection method: clinical testing. Allele origin: germline.
Comment: This sequence change replaces arginine, which is basic and polar, with leucine, which is neutral and non-polar, at codon 1761 of the SPTAN1 protein (p.Arg1761Leu). This variant is not present in population databases (gnomAD no frequency). This variant has not been reported in the literature in individuals affected with SPTAN1-related conditions. ClinVar contains an entry for this variant (Variation ID: 1480680). Advanced modeling of protein sequence and biophysical properties (such as structural, functional, and spatial information, amino acid conservation, physicochemical variation, residue mobility, and thermodynamic stability) has been performed at Invitae for this missense variant, however the output from this modeling did not meet the statistical confidence thresholds required to predict the impact of this variant on SPTAN1 protein function. In summary, the available evidence is currently insufficient to determine the role of this variant in disease. Therefore, it has been classified as a Variant of Uncertain Significance.